The following is an entry in ClinVar:

NM_015214.3(DDHD2):c.856C>T (p.Gln286Ter)

Gene: DDHD2 (DDHD domain containing 2; plus strand). Cytogenetic location: 8p11.23.
Variant type: single nucleotide variant.
Coding change: c.856C>T on transcript NM_015214.3 (MANE Select); coding-DNA position 856, C replaced by T.
Protein change: p.Gln286Ter; replaces glutamine 286 with a stop codon.
Molecular consequence: nonsense. On other transcripts: non-coding transcript variant (2).
Genome position (GRCh38, 1-based): chr8:38,245,749, C>T. VCF-style: chr8-38245749-C-T. GRCh37 (hg19) VCF-style: chr8-38103267-C-T.
Other names: c.856C>T (NM_001164232.1); c.856C>T, p.Gln286Ter (NM_001164232.2, NM_001362911.2, NM_001362912.2 and 1 more transcripts); c.766C>T, p.Gln256Ter (NM_001362913.2); short protein forms Q256*, Q286*.
Identifiers: ClinVar variation 1344306 (VCV001344306.31), dbSNP rs764638887, ClinGen allele CA4716105.
Genomic context (GRCh38, chr8:38,245,749, plus strand): 5'-CAGCTATTAAGTGTATTTAGGTTTCCTGCTTATATTATTTTTCCTTTTTTCAGAGATCTG[C>T]AGCGAATAACCCTGCCCAGCATTAACCGCCTCAGGCACTTCACCAATGACACAATTCTGG-3'

ClinVar aggregate classification (germline): Pathogenic/Likely pathogenic. Review status: criteria provided, multiple submitters, no conflicts (2 of 4 stars). 3 submissions from 3 submitters: Pathogenic (2); Likely pathogenic (1). Last evaluated 2023-04-27.

Conditions:
Hereditary spastic paraplegia 54. Also called: Spastic paraplegia 54, autosomal recessive. Identifiers: Orphanet 320380, MedGen C3539495, MONDO:0014018, OMIM 615033.
Hereditary spastic paraplegia. Also called: Familial spastic paraparesis. Identifiers: Orphanet 685, MedGen C0037773, MONDO:0019064. Disease mechanism: loss of function.

Allele frequency attached by ClinVar (database versions not stated): gnomAD exomes below 0.00001 and 0.00001; ExAC 0.00001.
gnomAD v4.1: 12 of 1,613,876 alleles (0.00074%); highest among the groups gnomAD compares: South Asian, 0.0022%; no homozygotes.

Submissions (3):

Neurometabolic Diseases Laboratory, Bellvitge Biomedical Research Institute (IDIBELL)
Classification: Pathogenic for Hereditary spastic paraplegia 54. Last evaluated: 2023-04-27. Review status: criteria provided, single submitter. Criteria: ACMG Guidelines, 2015. Collection method: research. Allele origin: germline. Affected: yes.

Genome Diagnostics Laboratory, The Hospital for Sick Children
Classification: Likely pathogenic for Hereditary spastic paraplegia. Last evaluated: 2020-03-01. Review status: criteria provided, single submitter. Criteria: ACMG Guidelines, 2015. Collection method: clinical testing. Allele origin: germline. Affected: yes.

Genetic Foundation of Khorasan Razavi (GFKR)
Classification: Pathogenic for Hereditary spastic paraplegia 54. Last evaluated: 2019-07-09. Review status: criteria provided, single submitter. Criteria: ACMG Guidelines, 2015. Collection method: clinical testing. Allele origin: inherited. Affected: yes. Observed: 1 homozygote.
Comment: This stop-gain variant (p.Gln286) is expected to result in nonsense-mediated decay or a severely truncated protein. Loss of function is a well-established disease mechanism for this gene, supporting pathogenicity. The variant is very rare in population databases, consistent with the rarity expected for a pathogenic allele. It has been submitted to ClinVar(VCV001344306.30). Taken together, these findings support a pathogenic classification according to ACMG/AMP guidelines.

Literature cited by the submitters: DOI 10.1159/000530375 (cited by Genetic Foundation of Khorasan Razavi (GFKR)).